The following is an entry in ClinVar:

ClinVar aggregate classification (germline): Uncertain significance (1 of 4 stars; one submission).

Conditions:
Charcot-Marie-Tooth disease type 4. Also called: Charcot-Marie-Tooth disease, type IV; Charcot-Marie-Tooth, Type 4. Identifiers: Orphanet 64749, MedGen C4082197, MONDO:0018995.

Allele frequency attached by ClinVar (database versions not stated): gnomAD exomes 0.00001; ExAC 0.00002.
gnomAD v4.1: 3 of 1,613,922 alleles (0.00019%); highest among the groups gnomAD compares: East Asian, 0.0067%; no homozygotes.

Submission:

Labcorp Genetics (formerly Invitae), Labcorp
Classification: Uncertain significance for Charcot-Marie-Tooth disease type 4. Last evaluated: 2024-08-13. Review status: criteria provided, single submitter. Criteria: Invitae Variant Classification Sherloc (09022015). Collection method: clinical testing. Allele origin: germline.
Comment: This sequence change replaces phenylalanine, which is neutral and non-polar, with tyrosine, which is neutral and polar, at codon 399 of the SH3TC2 protein (p.Phe399Tyr). This variant is present in population databases (rs763564639, gnomAD 0.02%). This variant has not been reported in the literature in individuals affected with SH3TC2-related conditions. ClinVar contains an entry for this variant (Variation ID: 1063574). Advanced modeling of protein sequence and biophysical properties (such as structural, functional, and spatial information, amino acid conservation, physicochemical variation, residue mobility, and thermodynamic stability) performed at Invitae indicates that this missense variant is not expected to disrupt SH3TC2 protein function with a negative predictive value of 95%. In summary, the available evidence is currently insufficient to determine the role of this variant in disease. Therefore, it has been classified as a Variant of Uncertain Significance.

NM_024577.4(SH3TC2):c.1196T>A (p.Phe399Tyr)

Gene: SH3TC2 (SH3 domain and tetratricopeptide repeats 2; minus strand). Cytogenetic location: 5q32.
Variant type: single nucleotide variant.
Coding change: c.1196T>A on transcript NM_024577.4 (MANE Select); coding-DNA position 1196, T replaced by A.
Protein change: p.Phe399Tyr; replaces phenylalanine 399 with tyrosine.
Molecular consequence: missense variant.
Genome position (GRCh38, 1-based): chr5:149,028,536, A>T on the plus strand (T>A on the coding strand, the complement: SH3TC2 is on the minus strand). VCF-style: chr5-149028536-A-T. GRCh37 (hg19) VCF-style: chr5-148408099-A-T.
Other names: short protein forms F399Y.
Identifiers: ClinVar variation 1063574 (VCV001063574.9), dbSNP rs763564639, ClinGen allele CA3499235.
Genomic context (GRCh38, chr5:149,028,536, plus strand): 5'-GACTGTCTGGACCCCACGGCCTGATGCTCCTCCCAGGCTCTGCCAGGCCTGACCTCCTTG[A>T]AACCTTCAGGCTGGGATGCTGTAAGGACAGGCAAAGTTGAGCAACCTTGGGCACCTGCAC-3'
Protein context (NP_078853.2, residues 389-409): NDLSASQPEG[Phe399Tyr]KEVRPGRAWE